The following is an entry in ClinVar:

ClinVar aggregate classification (germline): Benign (3 of 4 stars; one submission).

Conditions:
Breast-ovarian cancer, familial, susceptibility to, 1 (BROVCA1). Also called: BRCA1 Hereditary Breast and Ovarian Cancer; OVARIAN CANCER, SUSCEPTIBILITY TO. Identifiers: Orphanet 145, MedGen C2676676, MONDO:0011450, OMIM 604370. Disease mechanism: loss of function.

Allele frequency attached by ClinVar (database versions not stated): TOPMed 0.27272; gnomAD 0.28522 and 0.29368; 1000 Genomes Project 30x 0.31730; 1000 Genomes Project 0.32488.
gnomAD v4.1: 44,658 of 151,906 alleles (29%); highest among the groups gnomAD compares: South Asian, 49%; 7,171 homozygotes.

Submission:

Evidence-based Network for the Interpretation of Germline Mutant Alleles (ENIGMA)
Classification: Benign for Breast-ovarian cancer, familial 1. Last evaluated: 2015-01-12. Review status: reviewed by expert panel. Criteria: ENIGMA BRCA1/2 Classification Criteria (2015). Collection method: curation. Allele origin: germline.
Comment: Class 1 not pathogenic based on frequency >1% in an outbred sampleset. Frequency 0.3304 (Asian), 0.128 (African), 0.3575 (European), derived from 1000 genomes (2012-04-30).

NM_007294.4(BRCA1):c.5194-3017G>A

Gene: BRCA1 (BRCA1 DNA repair associated; minus strand). Cytogenetic location: 17q21.31.
Variant type: single nucleotide variant.
Coding change: c.5194-3017G>A on transcript NM_007294.4 (MANE Select); 3017 bases into the intron before coding-DNA position 5194, G replaced by A.
Molecular consequence: intron variant.
Genome position (GRCh38, 1-based): chr17:43,060,152, C>T on the plus strand (G>A on the coding strand, the complement: BRCA1 is on the minus strand). VCF-style: chr17-43060152-C-T. GRCh37 (hg19) VCF-style: chr17-41212169-C-T.
Other names: IVS 19-3017G>A; c.1741-3017G>A (NM_001408458.1, NM_001408461.1, NM_001408464.1 and 7 more transcripts); c.4303-3017G>A (NM_001407967.1); c.4813-3017G>A (NM_001407959.1); c.4927-3017G>A (NM_001407931.1, NM_001407932.1, NM_001407928.1 and 4 more transcripts); c.5050-3017G>A (NM_001407747.1, NM_001407745.1, NM_001407737.1 and 21 more transcripts); c.4810-3017G>A (NM_001407962.1, NM_001407960.1); c.1381-3017G>A (NM_001408512.1); and 73 more.
Identifiers: ClinVar variation 209303 (VCV000209303.2), dbSNP rs11652377, ClinGen allele CA276275.